The following is an entry in ClinVar:

NM_000059.4(BRCA2):c.5379T>C (p.Asn1793=)

Gene: BRCA2 (BRCA2 DNA repair associated; plus strand). Cytogenetic location: 13q13.1.
Variant type: single nucleotide variant.
Coding change: c.5379T>C on transcript NM_000059.4 (MANE Select); coding-DNA position 5379, T replaced by C.
Protein change: p.Asn1793=; no amino-acid change (asparagine 1793 retained).
Molecular consequence: synonymous variant.
Genome position (GRCh38, 1-based): chr13:32,339,734, T>C. VCF-style: chr13-32339734-T-C. GRCh37 (hg19) VCF-style: chr13-32913871-T-C.
Identifiers: ClinVar variation 185699 (VCV000185699.49), dbSNP rs146917776, ClinGen allele CA022168.

ClinVar aggregate classification (germline): Likely benign. Review status: reviewed by expert panel (3 of 4 stars). 11 submissions from 11 submitters: Likely benign (1). 10 of the submissions do not count toward it. Last evaluated 2017-06-29.

Conditions:
BRCA2-related disorder. Also called: BRCA2-related condition; BRCA2-related disorders. Identifiers: MedGen CN239275.
Hereditary cancer-predisposing syndrome. Also called: Tumor predisposition; Neoplastic Syndromes, Hereditary; Hereditary Cancer Syndrome; Hereditary neoplastic syndrome. Identifiers: Orphanet 140162, MedGen C0027672, MeSH D009386, MONDO:0015356.
Hereditary breast ovarian cancer syndrome. Also called: Hereditary breast and ovarian cancer; Hereditary breast and ovarian cancer syndrome (HBOC); Breast and ovarian cancer; Hereditary breast and/or ovarian cancer syndrome; BRCA1- and BRCA2-Associated Hereditary Breast and Ovarian Cancer; Hereditary breast and ovarian cancer syndrome. Identifiers: Orphanet 145, MedGen C0677776, MeSH D061325, MONDO:0003582. Disease mechanism: loss of function.
Breast-ovarian cancer, familial, susceptibility to, 2 (BROVCA2). Also called: BRCA2 Hereditary Breast and Ovarian Cancer. Identifiers: Orphanet 145, MedGen C2675520, MONDO:0012933, OMIM 612555. Disease mechanism: loss of function.

Allele frequency attached by ClinVar (database versions not stated): gnomAD 0.00001; gnomAD exomes 0.00001; TOPMed 0.00001; ESP Exome Variant Server 0.00008.
gnomAD v4.1: 9 of 1,613,708 alleles (0.00056%); highest among the groups gnomAD compares: Non-Finnish European, 0.00076%; no homozygotes.

Submissions (11):

Evidence-based Network for the Interpretation of Germline Mutant Alleles (ENIGMA)
Classification: Likely benign for Breast-ovarian cancer, familial, susceptibility to, 2. Last evaluated: 2017-06-29. Review status: reviewed by expert panel. Criteria: ENIGMA BRCA1/2 Classification Criteria (2017-06-29). Collection method: curation. Allele origin: germline.
Comment: Synonymous substitution variant, with low bioinformatic likelihood to result in a splicing aberration (Splicing prior probability 0.02).

Labcorp Genetics (formerly Invitae), Labcorp
Classification: Likely benign for Hereditary breast ovarian cancer syndrome. Last evaluated: 2025-12-24. Review status: criteria provided, single submitter. Criteria: Invitae Variant Classification Sherloc (09022015). Collection method: clinical testing. Allele origin: germline. Not counted in ClinVar's aggregate classification.

CeGaT Center for Human Genetics Tuebingen
Classification: Likely benign. Last evaluated: 2025-11-01. Review status: criteria provided, single submitter. Criteria: CeGaT Center For Human Genetics Tuebingen Variant Classification Criteria Version 2. Collection method: clinical testing. Allele origin: germline. Affected: yes. Observed: 2 variant alleles. Not counted in ClinVar's aggregate classification.
Comment: BRCA2: BP4, BP7

Quest Diagnostics Nichols Institute San Juan Capistrano
Classification: Likely benign. Last evaluated: 2025-04-15. Review status: criteria provided, single submitter. Criteria: Quest Diagnostics criteria. Collection method: clinical testing. Allele origin: unknown. Not counted in ClinVar's aggregate classification.

ARUP Laboratories, Molecular Genetics and Genomics, ARUP Laboratories
Classification: Likely benign. Last evaluated: 2025-03-24. Review status: criteria provided, single submitter. Criteria: ARUP Molecular Germline Variant Investigation Process 2024. Collection method: clinical testing. Allele origin: germline. Not counted in ClinVar's aggregate classification.

All of Us Research Program, National Institutes of Health
Classification: Likely benign for Breast-ovarian cancer, familial, susceptibility to, 2. Last evaluated: 2023-12-18. Review status: criteria provided, single submitter. Criteria: ACMG Guidelines, 2015. Collection method: clinical testing. Allele origin: germline. Inheritance: Autosomal dominant inheritance. Observed: 10 variant alleles, 10 heterozygotes. Not counted in ClinVar's aggregate classification.
Comment: This study involves interpretation of variants in research participants for the purpose of population health screening. Participant phenotype was not available at the time of variant classification. Additional details can be found in publication PMID: 35346344, PMCID: PMC8962531

GeneDx
Classification: Likely benign. Last evaluated: 2018-05-07. Review status: criteria provided, single submitter. Criteria: GeneDx Variant Classification Process June 2021. Collection method: clinical testing. Allele origin: germline. Affected: yes. Not counted in ClinVar's aggregate classification.

Women's Health and Genetics/Laboratory Corporation of America, LabCorp
Classification: Likely benign. Last evaluated: 2017-11-03. Review status: criteria provided, single submitter. Criteria: LabCorp Variant Classification Summary - May 2015. Collection method: clinical testing. Allele origin: germline. Not counted in ClinVar's aggregate classification.
Comment: Variant summary: The c.5379T>C (p.Asn1793=) in BRCA2 gene is a synonymous change that involves a non-conserved nucleotide. 5/5 programs in Alamut predict that this variant does not affect a normal splicing, however no functional studies supporting this notion were published at the time of evaluation. The variant is absent from control datasets of ExAC and gnomAD (120870 and 245910chrs tested, respectively). The variant of interest has not, to our knowledge, been reported in affected individuals via published reports, but is sited as Likely Benign by multiple reputable databases/clinical laboratories. For these reasons, the variant was classified as Likely Benign.

Color Diagnostics, LLC DBA Color Health
Classification: Likely benign for Hereditary cancer-predisposing syndrome. Last evaluated: 2016-12-16. Review status: criteria provided, single submitter. Criteria: ACMG Guidelines, 2015. Collection method: clinical testing. Allele origin: germline. Not counted in ClinVar's aggregate classification.

Ambry Genetics
Classification: Likely benign for Hereditary cancer-predisposing syndrome. Last evaluated: 2014-07-07. Review status: criteria provided, single submitter. Criteria: Ambry Variant Classification Scheme 2023. Collection method: clinical testing. Allele origin: germline. Not counted in ClinVar's aggregate classification.

PreventionGenetics, part of Exact Sciences
Classification: Likely benign for BRCA2-related condition. Last evaluated: 2023-03-01. Review status: no assertion criteria provided. Collection method: clinical testing. Allele origin: germline. Not counted in ClinVar's aggregate classification.
Comment: This variant is classified as likely benign based on ACMG/AMP sequence variant interpretation guidelines (Richards et al. 2015 PMID: 25741868, with internal and published modifications).